The following is an entry in ClinVar:

NM_001166114.2(PNPLA6):c.166G>T (p.Ala56Ser)

Gene: PNPLA6 (patatin like domain 6, lysophospholipase; plus strand). Cytogenetic location: 19p13.2.
Variant type: single nucleotide variant.
Coding change: c.166G>T on transcript NM_001166114.2 (MANE Select); coding-DNA position 166, G replaced by T.
Protein change: p.Ala56Ser; replaces alanine 56 with serine.
Molecular consequence: missense variant.
Genome position (GRCh38, 1-based): chr19:7,535,954, G>T. VCF-style: chr19-7535954-G-T. GRCh37 (hg19) VCF-style: chr19-7600840-G-T.
Other names: c.193G>T, p.Ala65Ser (NM_001166111.2); c.49G>T, p.Ala17Ser (NM_001166112.2, NM_001166113.1, NM_006702.5); short protein forms A17S, A56S, A65S.
Identifiers: ClinVar variation 2064966 (VCV002064966.4), dbSNP rs146421269, ClinGen allele CA304860236.
Genomic context (GRCh38, chr19:7,535,954, plus strand): 5'-CGGATTTGCGGTGCGCAGCCAGTGCCGTTCGTCCCTCAGGTGCTTGGCGTGATGATCGGG[G>T]CCGGAGTGGCGGTGGTGGTCACGGCCGTGCTCATCCTCCTGGTGGTGCGGAGGCTGCGAG-3'
Protein context (NP_001159586.1, residues 46-66): VPQVLGVMIG[Ala56Ser]GVAVVVTAVL

ClinVar aggregate classification (germline): Uncertain significance (1 of 4 stars; one submission).

Conditions:
Hereditary spastic paraplegia 39 (SPG39). Also called: Spastic Paraplegia Type 39 (SPG39); SPASTIC PARAPLEGIA 39, AUTOSOMAL RECESSIVE. Identifiers: Orphanet 139480, MedGen C2677586, MONDO:0012787, OMIM 612020.

Allele frequency attached by ClinVar (database versions not stated): gnomAD exomes 0.00001; gnomAD 0.00002; TOPMed 0.00002; ESP Exome Variant Server 0.00008.
gnomAD v4.1: 7 of 1,588,864 alleles (0.00044%); highest among the groups gnomAD compares: African/African-American, 0.0067%; no homozygotes.

Submission:

Labcorp Genetics (formerly Invitae), Labcorp
Classification: Uncertain significance for Hereditary spastic paraplegia 39. Last evaluated: 2024-11-11. Review status: criteria provided, single submitter. Criteria: Invitae Variant Classification Sherloc (09022015). Collection method: clinical testing. Allele origin: germline.
Comment: This sequence change replaces alanine, which is neutral and non-polar, with serine, which is neutral and polar, at codon 17 of the PNPLA6 protein (p.Ala17Ser). The frequency data for this variant in the population databases is considered unreliable, as metrics indicate poor data quality at this position in the gnomAD database. This variant has not been reported in the literature in individuals affected with PNPLA6-related conditions. ClinVar contains an entry for this variant (Variation ID: 2064966). Invitae Evidence Modeling of protein sequence and biophysical properties (such as structural, functional, and spatial information, amino acid conservation, physicochemical variation, residue mobility, and thermodynamic stability) has been performed for this missense variant. However, the output from this modeling did not meet the statistical confidence thresholds required to predict the impact of this variant on PNPLA6 protein function. In summary, the available evidence is currently insufficient to determine the role of this variant in disease. Therefore, it has been classified as a Variant of Uncertain Significance.